The following is an entry in ClinVar:

NM_000295.5(SERPINA1):c.1158del (p.Glu387fs)

Gene: SERPINA1 (serpin family A member 1; minus strand). Cytogenetic location: 14q32.13.
Variant type: Deletion.
Coding change: c.1158del on transcript NM_000295.5 (MANE Select); coding-DNA position 1158, one base deleted (C; older notation c.1158delC).
Protein change: p.Glu387fs; shifts the reading frame from glutamic acid 387.
Molecular consequence: frameshift variant.
Genome position (GRCh38, 1-based): chr14:94,378,548, G deleted on the plus strand (C on the coding strand, the reverse complement: SERPINA1 is on the minus strand); the first of 7 consecutive G bases (chr14:94,378,548-94,378,554); deleting any one gives the same sequence. VCF-style (leftmost placement, unchanged base first): chr14-94378547-CG-C. GRCh37 (hg19) VCF-style: chr14-94844884-CG-C.
Other names: PI NULL(BOLTON); PI Q0(BOLTON); c.1158del, p.Glu387fs (NM_001127701.2, NM_001002235.3, NM_001002236.3 and 7 more transcripts); short protein forms E387fs.
Identifiers: ClinVar variation 444037 (VCV000444037.5), dbSNP rs764325655, ClinGen allele CA7327257.

ClinVar aggregate classification (germline): Pathogenic/Likely pathogenic. Review status: criteria provided, multiple submitters, no conflicts (2 of 4 stars). 6 submissions from 5 submitters: Pathogenic (2); Likely pathogenic (1). 3 of the submissions do not count toward it. Last evaluated 2025-09-23.

Conditions:
Alpha-1-antitrypsin deficiency (A1ATD). Also called: AAT deficiency; A1AT deficiency; Alpha1-Antitrypsin Deficiency. Identifiers: Orphanet 60, MedGen C0221757, MONDO:0013282, OMIM 613490.
PI NULL(BOLTON).
PI Q0(BOLTON).

Submissions (6):

Labcorp Genetics (formerly Invitae), Labcorp
Classification: Pathogenic for Alpha-1-antitrypsin deficiency. Last evaluated: 2025-09-23. Review status: criteria provided, single submitter. Criteria: Invitae Variant Classification Sherloc (09022015). Collection method: clinical testing. Allele origin: germline.
Comment: This sequence change creates a premature translational stop signal (p.Glu387Argfs*11) in the SERPINA1 gene. While this is not anticipated to result in nonsense mediated decay, it is expected to disrupt the last 32 amino acid(s) of the SERPINA1 protein. The frequency data for this variant in the population databases is considered unreliable, as metrics indicate poor data quality at this position in the gnomAD database. This variant has not been reported in the literature in individuals affected with SERPINA1-related conditions. ClinVar contains an entry for this variant (Variation ID: 444037). This variant disrupts a region of the SERPINA1 protein in which other variant(s) (p.Pro393Leu) have been determined to be pathogenic (PMID: 2784123, 10234508, 18024524). This suggests that this is a clinically significant region of the protein, and that variants that disrupt it are likely to be disease-causing. For these reasons, this variant has been classified as Pathogenic.

Baylor Genetics
Classification: Pathogenic for Alpha-1-antitrypsin deficiency. Last evaluated: 2024-03-02. Review status: criteria provided, single submitter. Criteria: ACMG Guidelines, 2015. Collection method: clinical testing. Allele origin: unknown.

Fulgent Genetics
Classification: Likely pathogenic for Alpha-1-antitrypsin deficiency. Last evaluated: 2022-05-10. Review status: criteria provided, single submitter. Criteria: ACMG Guidelines, 2015. Collection method: clinical testing. Allele origin: unknown.

OMIM
Classification: other for PI NULL(BOLTON). Last evaluated: 2016-07-20. Review status: no assertion criteria provided. Collection method: literature only. Allele origin: germline. Not counted in ClinVar's aggregate classification.

OMIM
Classification: other for PI Q0(BOLTON). Last evaluated: 2016-07-20. Review status: no assertion criteria provided. Collection method: literature only. Allele origin: germline. Not counted in ClinVar's aggregate classification.

Department of Laboratory Medicine and Genetics, Trillium Health Partners Credit Valley Hospital
Classification: Pathogenic for Alpha-1-antitrypsin deficiency. Last evaluated: 2014-12-08. Review status: no assertion criteria provided. Collection method: curation. Allele origin: germline. Affected: yes. Not counted in ClinVar's aggregate classification.

Literature cited by the submitters: PubMed 2784123 (cited by Labcorp Genetics (formerly Invitae), Labcorp); PubMed 10234508 (cited by Labcorp Genetics (formerly Invitae), Labcorp); PubMed 18024524 (cited by Labcorp Genetics (formerly Invitae), Labcorp); PubMed 2254451 (cited by OMIM).